The following is an entry in ClinVar:

NM_198525.3(KIF7):c.1433G>A (p.Gly478Asp)

Gene: KIF7 (kinesin family member 7; minus strand). Cytogenetic location: 15q26.1.
Variant type: single nucleotide variant.
Coding change: c.1433G>A on transcript NM_198525.3 (MANE Select); coding-DNA position 1433, G replaced by A.
Protein change: p.Gly478Asp; replaces glycine 478 with aspartic acid.
Molecular consequence: missense variant.
Genome position (GRCh38, 1-based): chr15:89,648,265, C>T on the plus strand (G>A on the coding strand, the complement: KIF7 is on the minus strand). VCF-style: chr15-89648265-C-T. GRCh37 (hg19) VCF-style: chr15-90191496-C-T.
Other names: short protein forms G478D.
Identifiers: ClinVar variation 642997 (VCV000642997.6), dbSNP rs1040813926, ClinGen allele CA274582373.

ClinVar aggregate classification (germline): Uncertain significance (1 of 4 stars; one submission).

Conditions:
Acrocallosal syndrome (ACLS). Also called: HALLUX DUPLICATION, POSTAXIAL POLYDACTYLY, AND ABSENCE OF CORPUS CALLOSUM; Schinzel syndrome 1; Absence of corpus callosum with unusual facial appearance, mental deficiency, duplication of the halluces and polydactyly. Identifiers: Orphanet 36, MedGen C0796147, MONDO:0008708, OMIM 200990.

Allele frequency attached by ClinVar (database versions not stated): gnomAD exomes 0.00001 and 0.00004; TOPMed 0.00002.
gnomAD v4.1: 4 of 1,517,480 alleles (0.00026%); highest among the groups gnomAD compares: Admixed American, 0.008%; no homozygotes.

Submission:

Labcorp Genetics (formerly Invitae), Labcorp
Classification: Uncertain significance for Acrocallosal syndrome. Last evaluated: 2022-10-25. Review status: criteria provided, single submitter. Criteria: Invitae Variant Classification Sherloc (09022015). Collection method: clinical testing. Allele origin: germline.
Comment: This sequence change replaces glycine, which is neutral and non-polar, with aspartic acid, which is acidic and polar, at codon 478 of the KIF7 protein (p.Gly478Asp). This variant is present in population databases (no rsID available, gnomAD 0.02%). This variant has not been reported in the literature in individuals affected with KIF7-related conditions. ClinVar contains an entry for this variant (Variation ID: 642997). Advanced modeling of protein sequence and biophysical properties (such as structural, functional, and spatial information, amino acid conservation, physicochemical variation, residue mobility, and thermodynamic stability) performed at Invitae indicates that this missense variant is not expected to disrupt KIF7 protein function. In summary, the available evidence is currently insufficient to determine the role of this variant in disease. Therefore, it has been classified as a Variant of Uncertain Significance.